The following is an entry in ClinVar:

NM_018191.4(RCBTB1):c.991G>A (p.Asp331Asn)

Gene: RCBTB1 (RCC1 and BTB domain containing protein 1; minus strand). Cytogenetic location: 13q14.2.
Variant type: single nucleotide variant.
Coding change: c.991G>A on transcript NM_018191.4 (MANE Select); coding-DNA position 991, G replaced by A.
Protein change: p.Asp331Asn; replaces aspartic acid 331 with asparagine.
Molecular consequence: missense variant. On other transcripts: non-coding transcript variant (2).
Genome position (GRCh38, 1-based): chr13:49,549,512, C>T on the plus strand (G>A on the coding strand, the complement: RCBTB1 is on the minus strand). VCF-style: chr13-49549512-C-T. GRCh37 (hg19) VCF-style: chr13-50123648-C-T.
Other names: c.991G>A, p.Asp331Asn (NM_001352500.2, NM_001352501.2, NM_001352502.2 and 3 more transcripts); c.412G>A, p.Asp138Asn (NM_001352506.2); short protein forms D138N, D331N.
Identifiers: ClinVar variation 864729 (VCV000864729.9), dbSNP rs150189495, ClinGen allele CA6982721.

ClinVar aggregate classification (germline): Uncertain significance. Review status: criteria provided, multiple submitters, no conflicts (2 of 4 stars). 3 submissions from 3 submitters: Uncertain significance (3). Last evaluated 2025-09-25.

Allele frequency attached by ClinVar (database versions not stated): gnomAD exomes 0.00006 and 0.00016; ExAC 0.00007; TOPMed 0.00009; ESP Exome Variant Server 0.00015; 1000 Genomes Project 30x 0.00016; 1000 Genomes Project 0.00020.
gnomAD v4.1: 248 of 1,613,722 alleles (0.015%); highest among the groups gnomAD compares: Non-Finnish European, 0.019%; no homozygotes.

Submissions (3):

Ambry Genetics
Classification: Uncertain significance. Last evaluated: 2025-09-25. Review status: criteria provided, single submitter. Criteria: Ambry Variant Classification Scheme 2023. Collection method: clinical testing. Allele origin: germline.

Labcorp Genetics (formerly Invitae), Labcorp
Classification: Uncertain significance. Last evaluated: 2025-01-13. Review status: criteria provided, single submitter. Criteria: Invitae Variant Classification Sherloc (09022015). Collection method: clinical testing. Allele origin: germline.
Comment: This sequence change replaces aspartic acid, which is acidic and polar, with asparagine, which is neutral and polar, at codon 331 of the RCBTB1 protein (p.Asp331Asn). This variant is present in population databases (rs150189495, gnomAD 0.01%). This variant has not been reported in the literature in individuals affected with RCBTB1-related conditions. ClinVar contains an entry for this variant (Variation ID: 864729). Invitae Evidence Modeling of protein sequence and biophysical properties (such as structural, functional, and spatial information, amino acid conservation, physicochemical variation, residue mobility, and thermodynamic stability) indicates that this missense variant is not expected to disrupt RCBTB1 protein function with a negative predictive value of 80%. In summary, the available evidence is currently insufficient to determine the role of this variant in disease. Therefore, it has been classified as a Variant of Uncertain Significance.

Blueprint Genetics
Classification: Uncertain significance. Last evaluated: 2022-12-01. Review status: criteria provided, single submitter. Criteria: ACMG Guidelines, 2015. Collection method: clinical testing. Allele origin: germline.